The following is an entry in ClinVar:

NM_000245.4(MET):c.1722C>T (p.Pro574=)

Gene: MET (MET proto-oncogene, receptor tyrosine kinase; plus strand). Cytogenetic location: 7q31.2.
Variant type: single nucleotide variant.
Coding change: c.1722C>T on transcript NM_000245.4 (MANE Select); coding-DNA position 1722, C replaced by T.
Protein change: p.Pro574=; no amino-acid change (proline 574 retained).
Molecular consequence: synonymous variant.
Genome position (GRCh38, 1-based): chr7:116,755,375, C>T. VCF-style: chr7-116755375-C-T. GRCh37 (hg19) VCF-style: chr7-116395429-C-T.
Other names: c.1722C>T, p.Pro574= (NM_001127500.3, NM_001324401.3); c.432C>T, p.Pro144= (NM_001324402.2); c.1722C>T (NM_001127500.1).
Identifiers: ClinVar variation 1618101 (VCV001618101.10), dbSNP rs1562920359, ClinGen allele CA457216171.

ClinVar aggregate classification (germline): Benign/Likely benign. Review status: criteria provided, multiple submitters, no conflicts (2 of 4 stars). 3 submissions from 3 submitters: Benign (1); Likely benign (2). Last evaluated 2025-10-06.

Conditions:
Renal cell carcinoma. Identifiers: Orphanet 217071, MedGen C0007134, MeSH D002292, MONDO:0005086, HP:0005584.
Hereditary cancer-predisposing syndrome. Also called: Tumor predisposition; Hereditary neoplastic syndrome; Neoplastic Syndromes, Hereditary; Hereditary Cancer Syndrome. Identifiers: Orphanet 140162, MedGen C0027672, MeSH D009386, MONDO:0015356.
Papillary renal cell carcinoma type 1 (RCCP1). Also called: Renal adenocarcinoma; Renal cell carcinoma 1; Renal cell carcinoma, somatic; RENAL CELL CARCINOMA, PAPILLARY, 1, SOMATIC. Identifiers: Orphanet 47044, MedGen C1336839, OMIM 605074, HP:0011797.

Submissions (3):

Labcorp Genetics (formerly Invitae), Labcorp
Classification: Likely benign for Renal cell carcinoma. Last evaluated: 2025-10-06. Review status: criteria provided, single submitter. Criteria: Invitae Variant Classification Sherloc (09022015). Collection method: clinical testing. Allele origin: germline.

Ambry Genetics
Classification: Likely benign for Hereditary cancer-predisposing syndrome. Last evaluated: 2025-08-25. Review status: criteria provided, single submitter. Criteria: Ambry Variant Classification Scheme 2023. Collection method: clinical testing. Allele origin: germline.

Myriad Genetics, Inc.
Classification: Benign for Papillary renal cell carcinoma type 1. Last evaluated: 2024-11-08. Review status: criteria provided, single submitter. Criteria: Myriad Autosomal Dominant, Autosomal Recessive and X-Linked Classification Criteria (2023). Collection method: clinical testing. Allele origin: unknown.
Comment: This variant is considered benign. This variant is a silent/synonymous amino acid change and it is not expected to impact splicing.